The following is an entry in ClinVar:

ClinVar aggregate classification (germline): Uncertain significance. Review status: criteria provided, multiple submitters, no conflicts (2 of 4 stars). 2 submissions from 2 submitters: Uncertain significance (2). Last evaluated 2024-10-01.

Conditions:
Dilated cardiomyopathy 1G (CMD1G). Identifiers: Orphanet 154, MedGen C1858763, MONDO:0011400, OMIM 604145.
Autosomal recessive limb-girdle muscular dystrophy type 2J (LGMDR10). Also called: Limb-girdle muscular dystrophy, type 2J; MUSCULAR DYSTROPHY, LIMB-GIRDLE, AUTOSOMAL RECESSIVE 10. Identifiers: Orphanet 140922, MedGen C1837342, MONDO:0012127, OMIM 608807.

Allele frequency attached by ClinVar (database versions not stated): gnomAD exomes below 0.00001; gnomAD 0.00001; TOPMed 0.00001.
gnomAD v4.1: 7 of 1,613,286 alleles (0.00043%); highest among the groups gnomAD compares: Non-Finnish European, 0.00059%; no homozygotes.

Submissions (2):

Labcorp Genetics (formerly Invitae), Labcorp
Classification: Uncertain significance for Dilated cardiomyopathy 1G; Autosomal recessive limb-girdle muscular dystrophy type 2J. Last evaluated: 2024-10-01. Review status: criteria provided, single submitter. Criteria: Invitae Variant Classification Sherloc (09022015). Collection method: clinical testing. Allele origin: germline.
Comment: This sequence change replaces lysine, which is basic and polar, with asparagine, which is neutral and polar, at codon 34915 of the TTN protein (p.Lys34915Asn). This variant is present in population databases (no rsID available, gnomAD 0.007%). This missense change has been observed in individual(s) with clinical features of TTN-related conditions (internal data). ClinVar contains an entry for this variant (Variation ID: 847210). Experimental studies and prediction algorithms are not available or were not evaluated, and the functional significance of this variant is currently unknown. This variant is located in the M band of TTN (PMID: 25589632). Non-truncating variants in this region may be relevant for neuromuscular disorders, but have not been definitively shown to cause cardiomyopathy (PMID: 23975875). In summary, the available evidence is currently insufficient to determine the role of this variant in disease. Therefore, it has been classified as a Variant of Uncertain Significance.

GeneDx
Classification: Uncertain significance. Last evaluated: 2022-08-19. Review status: criteria provided, single submitter. Criteria: GeneDx Variant Classification Process June 2021. Collection method: clinical testing. Allele origin: germline. Affected: yes.
Comment: Not observed at significant frequency in large population cohorts (gnomAD); Missense variant in a gene in which most reported pathogenic variants are truncating/loss of function; Has not been previously published as pathogenic or benign to our knowledge; This variant is associated with the following publications: (PMID: 26582918)

Literature cited by the submitters: PubMed 25589632 (cited by Labcorp Genetics (formerly Invitae), Labcorp); PubMed 23975875 (cited by Labcorp Genetics (formerly Invitae), Labcorp).

NM_001267550.2(TTN):c.104745A>C (p.Lys34915Asn)

Genes: TTN-AS1 (TTN antisense RNA 1; plus strand), TTN (titin; minus strand). Cytogenetic location: 2q31.2.
Variant type: single nucleotide variant.
Coding change: c.104745A>C on transcript NM_001267550.2 (MANE Select); coding-DNA position 104745, A replaced by C.
Protein change: p.Lys34915Asn; replaces lysine 34915 with asparagine.
Molecular consequence: missense variant.
Genome position (GRCh38, 1-based): chr2:178,531,870, T>G on the plus strand (A>C on the coding strand, the complement: TTN is on the minus strand). VCF-style: chr2-178531870-T-G. GRCh37 (hg19) VCF-style: chr2-179396597-T-G.
Other names: c.99822A>C, p.Lys33274Asn (NM_001256850.1); c.77550A>C, p.Lys25850Asn (NM_003319.4); c.97041A>C, p.Lys32347Asn (NM_133378.4); c.77925A>C, p.Lys25975Asn (NM_133432.3); c.78126A>C, p.Lys26042Asn (NM_133437.4); c.104745A>C (NM_001267550.1); short protein forms K25850N, K25975N, K32347N, K26042N, K33274N, K34915N.
Identifiers: ClinVar variation 847210 (VCV000847210.9), dbSNP rs1390713685, ClinGen allele CA349411017.